The following is an entry in ClinVar:

ClinVar aggregate classification (germline): Uncertain significance. Review status: criteria provided, multiple submitters, no conflicts (2 of 4 stars). 2 submissions from 2 submitters: Uncertain significance (2). Last evaluated 2025-01-15.

Conditions:
Inborn genetic diseases. Identifiers: MedGen C0950123, MeSH D030342.

gnomAD v4.1: 270 of 1,573,658 alleles (0.017%); highest among the groups gnomAD compares: Non-Finnish European, 0.022%; no homozygotes.

Submissions (2):

Labcorp Genetics (formerly Invitae), Labcorp
Classification: Uncertain significance. Last evaluated: 2025-01-15. Review status: criteria provided, single submitter. Criteria: Invitae Variant Classification Sherloc (09022015). Collection method: clinical testing. Allele origin: germline.
Comment: This sequence change replaces glycine, which is neutral and non-polar, with arginine, which is basic and polar, at codon 33 of the MPLKIP protein (p.Gly33Arg). This variant is present in population databases (rs775211403, gnomAD 0.03%). This variant has not been reported in the literature in individuals affected with MPLKIP-related conditions. ClinVar contains an entry for this variant (Variation ID: 1445980). Experimental studies and prediction algorithms are not available or were not evaluated, and the functional significance of this variant is currently unknown. In summary, the available evidence is currently insufficient to determine the role of this variant in disease. Therefore, it has been classified as a Variant of Uncertain Significance.

Ambry Genetics
Classification: Uncertain significance for Inborn genetic diseases. Last evaluated: 2023-02-15. Review status: criteria provided, single submitter. Criteria: Ambry Variant Classification Scheme 2023. Collection method: clinical testing. Allele origin: germline.

NM_138701.4(MPLKIP):c.97G>C (p.Gly33Arg)

Gene: MPLKIP (M-phase specific PLK1 interacting protein; minus strand). Cytogenetic location: 7p14.1.
Variant type: single nucleotide variant.
Coding change: c.97G>C on transcript NM_138701.4 (MANE Select); coding-DNA position 97, G replaced by C.
Protein change: p.Gly33Arg; replaces glycine 33 with arginine.
Molecular consequence: missense variant.
Genome position (GRCh38, 1-based): chr7:40,134,471, C>G on the plus strand (G>C on the coding strand, the complement: MPLKIP is on the minus strand). VCF-style: chr7-40134471-C-G. GRCh37 (hg19) VCF-style: chr7-40174070-C-G.
Other names: c.97G>C (NM_138701.3); short protein forms G33R.
Identifiers: ClinVar variation 1445980 (VCV001445980.7), dbSNP rs775211403, ClinGen allele CA4229241.